The following is an entry in ClinVar:

NM_177438.3(DICER1):c.5452G>A (p.Ala1818Thr)

Gene: DICER1 (dicer 1, ribonuclease III; minus strand). Cytogenetic location: 14q32.13.
Variant type: single nucleotide variant.
Coding change: c.5452G>A on transcript NM_177438.3 (MANE Select); coding-DNA position 5452, G replaced by A.
Protein change: p.Ala1818Thr; replaces alanine 1818 with threonine.
Molecular consequence: missense variant. On other transcripts: intron variant (1).
Genome position (GRCh38, 1-based): chr14:95,091,278, C>T on the plus strand (G>A on the coding strand, the complement: DICER1 is on the minus strand). VCF-style: chr14-95091278-C-T. GRCh37 (hg19) VCF-style: chr14-95557615-C-T.
Other names: NM_177438.3(DICER1):c.5452G>A; p.Ala1818Thr; c.5452G>A, p.Ala1818Thr (NM_001271282.3, NM_001291628.2, NM_030621.4); c.5365-169G>A (NM_001195573.1); short protein forms A1818T.
Identifiers: ClinVar variation 933126 (VCV000933126.18), dbSNP rs1889802883, ClinGen allele CA390864624.
Genomic context (GRCh38, chr14:95,091,278, plus strand): 5'-TCATGGGATAGTACACCTGCCAGACTGTCTCCAGTGACATCCCACTATCCATGTAAATGG[C>T]ACCAGCAAGCGACTCAAAAATATCCCCCATGGCCTTTGGAACTTCAATATCCTCTTCTTT-3'
Protein context (NP_803187.1, residues 1808-1828): MGDIFESLAG[Ala1818Thr]IYMDSGMSLE

ClinVar aggregate classification (germline): Uncertain significance. Review status: reviewed by expert panel (3 of 4 stars). 4 submissions from 4 submitters: Uncertain significance (1). 3 of the submissions do not count toward it. Last evaluated 2026-11-03.

Conditions:
DICER1-related tumor predisposition. Also called: DICER1-related pleuropulmonary blastoma cancer predisposition syndrome; DICER1 syndrome. Identifiers: Orphanet 284343, MedGen C3839822, MONDO:0100216.
Hereditary cancer-predisposing syndrome. Also called: Neoplastic Syndromes, Hereditary; Hereditary Cancer Syndrome; Hereditary neoplastic syndrome; Tumor predisposition. Identifiers: Orphanet 140162, MedGen C0027672, MeSH D009386, MONDO:0015356.

Allele frequency attached by ClinVar (database versions not stated): TOPMed 0.00001.

Submissions (4):

ClinGen DICER1 and miRNA-Processing Gene Variant Curation Expert Panel, ClinGen
Classification: Uncertain significance for DICER1-related tumor predisposition. Last evaluated: 2026-11-03. Review status: reviewed by expert panel. Criteria: ClinGen DICER1 and miRNA-Processing Gene Expert Panel Specifications to the ACMG/AMP Variant Interpretation Guidelines for DICER1 Version 1.4. Collection method: curation. Allele origin: germline. Inheritance: Autosomal dominant inheritance.
Comment: The NM_177438.3:c.5452G>A variant in DICER1 is a missense variant predicted to cause substitution of alanine by threonine at amino acid 1818 (p.Ala1818Thr). Although this variant has been observed in individuals undergoing genetic sequencing, to our knowledge, this variant has not been reported in individuals with DICER1-related tumor predisposition (PS4 not met; Internal lab contributors). This variant is absent from gnomAD v4.1.1 (PM2_Supporting). An in vitro cleavage assay carried out using immunopurified DICER1 variant p.Ala1818Thr showed that this variant reduces the capacity of the protein to produce 5p/3p microRNAs from a pre-miRNA, indicating that it impacts protein function (PS3_Supporting; Wu 2018, McGill University). The computational predictor REVEL gives a score of 0.925, which is above the threshold of 0.750, evidence that correlates with impact to DICER1 function (PP3). This variant resides within the RNase IIIb domain (PM1_Supporting; PMID: 31342592). In summary, this variant meets the criteria to be classified as Uncertain Significance for DICER1-related tumor predisposition based on the ACMG/AMP criteria applied, as specified by the ClinGen DICER1 VCEP: PM2_supporting, PS3_Supporting, PP3, PM1_Supporting. (VCEP specifications version 1.4.0) Based on Tavtigian et al 2020 (PMID:32720330), the total points applied = 4, which equates to a classification of VUS.

Labcorp Genetics (formerly Invitae), Labcorp
Classification: Uncertain significance for DICER1-related tumor predisposition. Last evaluated: 2022-05-16. Review status: criteria provided, single submitter. Criteria: Invitae Variant Classification Sherloc (09022015). Collection method: clinical testing. Allele origin: germline. Not counted in ClinVar's aggregate classification.
Comment: This variant is not present in population databases (gnomAD no frequency). In summary, the available evidence is currently insufficient to determine the role of this variant in disease. Therefore, it has been classified as a Variant of Uncertain Significance. Algorithms developed to predict the effect of missense changes on protein structure and function (SIFT, PolyPhen-2, Align-GVGD) all suggest that this variant is likely to be disruptive. ClinVar contains an entry for this variant (Variation ID: 933126). This variant has not been reported in the literature in individuals affected with DICER1-related conditions. This sequence change replaces alanine, which is neutral and non-polar, with threonine, which is neutral and polar, at codon 1818 of the DICER1 protein (p.Ala1818Thr).

Ambry Genetics
Classification: Uncertain significance for Hereditary cancer-predisposing syndrome. Last evaluated: 2022-04-29. Review status: criteria provided, single submitter. Criteria: Ambry Variant Classification Scheme 2023. Collection method: clinical testing. Allele origin: germline. Not counted in ClinVar's aggregate classification.
Comment: The p.A1818T variant (also known as c.5452G>A), located in coding exon 24 of the DICER1 gene, results from a G to A substitution at nucleotide position 5452. The alanine at codon 1818 is replaced by threonine, an amino acid with similar properties. This amino acid position is highly conserved in available vertebrate species. In addition, this alteration is predicted to be deleterious by in silico analysis. Since supporting evidence is limited at this time, the clinical significance of this alteration remains unclear.

Foulkes Cancer Genetics LDI, Lady Davis Institute for Medical Research
Classification: Likely pathogenic for Pleuropulmonary blastoma. Last evaluated: 2019-07-01. Review status: criteria provided, single submitter. Criteria: ACMG Guidelines, 2015. Collection method: curation. Allele origin: somatic. Affected: yes. Observed: 1 variant allele. Not counted in ClinVar's aggregate classification.
Comment: ACMG criteria met: PS3, PM1, PM2, PP3, BP1

Literature cited by the submitters: PubMed 23620094 (cited by Foulkes Cancer Genetics LDI, Lady Davis Institute for Medical Research).